The following is an entry in ClinVar:

NM_030632.3(ASXL3):c.3746_3749dup (p.Lys1250delinsAsnTer)

Gene: ASXL3 (ASXL transcriptional regulator 3; plus strand). Cytogenetic location: 18q12.1.
Variant type: Duplication.
Coding change: c.3746_3749dup on transcript NM_030632.3 (MANE Select); coding-DNA positions 3746 to 3749, 4 bases duplicated (TTAA; older notation c.3746_3749dupTTAA).
Protein change: p.Lys1250delinsAsnTer.
Molecular consequence: nonsense.
Genome position (GRCh38, 1-based): chr18:33,743,594-33,743,597, TTAA duplicated; duplicating any 4 consecutive bases within chr18:33,743,592-33,743,597 gives the same sequence; the c. name uses the placement nearest the transcript's 3' end. VCF-style (leftmost placement, unchanged base first): chr18-33743591-C-CAATT. GRCh37 (hg19) VCF-style: chr18-31323555-C-CAATT.
Identifiers: ClinVar variation 5018572 (VCV005018572.1).
Genomic context (GRCh38, chr18:33,743,591, plus strand): 5'-CCATGCTTTTTAATAAAAATTCTGTCCCTGTATCTGTTTGCAGCACTGCTATATCGGGAG[C>CAATT]AATTAAAGAACATCCCTTTGTGAGTTCTGTTGATAAATCCTCTGTCCTAATGTCTGTTGA-3'

ClinVar aggregate classification (germline): Likely pathogenic (1 of 4 stars; one submission).

Conditions:
Bainbridge-Ropers syndrome. Also called: Severe feeding difficulties-failure to thrive-microcephaly due to ASXL3 deficiency syndrome. Identifiers: Orphanet 352577, MedGen C4750837, MONDO:0014205, OMIM 615485.

Submission:

Juno Genomics, Hangzhou Juno Genomics, Inc
Classification: Likely pathogenic for Bainbridge-Ropers syndrome. Review status: criteria provided, single submitter. Criteria: ACMG Guidelines, 2015. Collection method: clinical testing. Allele origin: germline. Affected: yes.
Comment: Absent from controls (or at extremely low frequency if recessive) in Genome Aggregation Database.;Null variant in a gene where loss of function (LOF) is a known mechanism of disease.;The prevalence of the variant in affected individuals is significantly increased compared to the prevalence in controls.;Patient's phenotype or family history is highly specific for a disease with a single genetic etiology.